The following is an entry in ClinVar:

ClinVar aggregate classification (germline): Uncertain significance (1 of 4 stars; one submission).

gnomAD v4.1: 1 of 1,613,952 alleles (0.000062%); highest among the groups gnomAD compares: Admixed American, 0.0017%; no homozygotes.

Submission:

Labcorp Genetics (formerly Invitae), Labcorp
Classification: Uncertain significance. Last evaluated: 2024-01-17. Review status: criteria provided, single submitter. Criteria: Invitae Variant Classification Sherloc (09022015). Collection method: clinical testing. Allele origin: germline.
Comment: This sequence change replaces glutamine, which is neutral and polar, with histidine, which is basic and polar, at codon 425 of the ZBTB20 protein (p.Gln425His). This variant is present in population databases (rs746920213, gnomAD 0.006%). This variant has not been reported in the literature in individuals affected with ZBTB20-related conditions. Advanced modeling of protein sequence and biophysical properties (such as structural, functional, and spatial information, amino acid conservation, physicochemical variation, residue mobility, and thermodynamic stability) has been performed at Invitae for this missense variant, however the output from this modeling did not meet the statistical confidence thresholds required to predict the impact of this variant on ZBTB20 protein function. In summary, the available evidence is currently insufficient to determine the role of this variant in disease. Therefore, it has been classified as a Variant of Uncertain Significance.

NM_001348800.3(ZBTB20):c.1275G>C (p.Gln425His)

Gene: ZBTB20 (zinc finger and BTB domain containing 20; minus strand). Cytogenetic location: 3q13.31.
Variant type: single nucleotide variant.
Coding change: c.1275G>C on transcript NM_001348800.3 (MANE Select); coding-DNA position 1275, G replaced by C.
Protein change: p.Gln425His; replaces glutamine 425 with histidine.
Molecular consequence: missense variant.
Genome position (GRCh38, 1-based): chr3:114,350,803, C>G on the plus strand (G>C on the coding strand, the complement: ZBTB20 is on the minus strand). VCF-style: chr3-114350803-C-G. GRCh37 (hg19) VCF-style: chr3-114069650-C-G.
Other names: c.1275G>C, p.Gln425His (NM_001164342.2, NM_001348803.3, NM_001393393.1 and 1 more transcripts); c.1056G>C, p.Gln352His (NM_001164343.2, NM_001164344.4, NM_001164345.4 and 9 more transcripts); short protein forms Q352H, Q425H.
Identifiers: ClinVar variation 2722387 (VCV002722387.2), dbSNP rs746920213, ClinGen allele CA2551329.